The following is an entry in ClinVar:

NM_212552.3(BOLA3):c.298A>G (p.Ile100Val)

Gene: BOLA3 (bolA family member 3; minus strand). Cytogenetic location: 2p13.1.
Variant type: single nucleotide variant.
Coding change: c.298A>G on transcript NM_212552.3 (MANE Select); coding-DNA position 298, A replaced by G.
Protein change: p.Ile100Val; replaces isoleucine 100 with valine.
Molecular consequence: missense variant.
Genome position (GRCh38, 1-based): chr2:74,135,619, T>C on the plus strand (A>G on the coding strand, the complement: BOLA3 is on the minus strand). VCF-style: chr2-74135619-T-C. GRCh37 (hg19) VCF-style: chr2-74362746-T-C.
Other names: c.209A>G, p.Asp70Gly (NM_001035505.2); c.298A>G (NM_212552.2); short protein forms D70G, I100V.
Identifiers: ClinVar variation 1485570 (VCV001485570.7), dbSNP rs1440962863, ClinGen allele CA347309886.

ClinVar aggregate classification (germline): Uncertain significance. Review status: criteria provided, multiple submitters, no conflicts (2 of 4 stars). 3 submissions from 3 submitters: Uncertain significance (3). Last evaluated 2022-08-09.

Conditions:
Inborn genetic diseases. Identifiers: MedGen C0950123, MeSH D030342.

Allele frequency attached by ClinVar (database versions not stated): gnomAD 0.00001.
gnomAD v4.1: 1 of 1,614,010 alleles (0.000062%); highest among the groups gnomAD compares: Admixed American, 0.0017%; no homozygotes.

Submissions (3):

Labcorp Genetics (formerly Invitae), Labcorp
Classification: Uncertain significance. Last evaluated: 2022-08-09. Review status: criteria provided, single submitter. Criteria: Invitae Variant Classification Sherloc (09022015). Collection method: clinical testing. Allele origin: germline.
Comment: This sequence change replaces isoleucine, which is neutral and non-polar, with valine, which is neutral and non-polar, at codon 100 of the BOLA3 protein (p.Ile100Val). This variant is not present in population databases (gnomAD no frequency). This variant has not been reported in the literature in individuals affected with BOLA3-related conditions. ClinVar contains an entry for this variant (Variation ID: 1485570). Algorithms developed to predict the effect of missense changes on protein structure and function (SIFT, PolyPhen-2, Align-GVGD) all suggest that this variant is likely to be tolerated. Algorithms developed to predict the effect of sequence changes on RNA splicing suggest that this variant may create or strengthen a splice site. In summary, the available evidence is currently insufficient to determine the role of this variant in disease. Therefore, it has been classified as a Variant of Uncertain Significance.

Ambry Genetics
Classification: Uncertain significance for Inborn genetic diseases. Last evaluated: 2021-12-28. Review status: criteria provided, single submitter. Criteria: Ambry Variant Classification Scheme 2023. Collection method: clinical testing. Allele origin: germline.

Blueprint Genetics
Classification: Uncertain significance. Last evaluated: 2019-02-19. Review status: criteria provided, single submitter. Criteria: ACMG Guidelines, 2015. Collection method: clinical testing. Allele origin: germline.